The following is an entry in ClinVar:

ClinVar aggregate classification (germline): Conflicting classifications of pathogenicity. Review status: criteria provided, conflicting classifications (1 of 4 stars). 5 submissions from 5 submitters: Likely pathogenic (2); Uncertain significance (3). Last evaluated 2026-04-23.

Conditions:
Inborn genetic diseases. Identifiers: MedGen C0950123, MeSH D030342.
Multiple congenital anomalies-hypotonia-seizures syndrome 2 (MCAHS2). Also called: GLYCOSYLPHOSPHATIDYLINOSITOL BIOSYNTHESIS DEFECT 4; EPILEPTIC ENCEPHALOPATHY, EARLY INFANTILE, 20. Identifiers: Orphanet 300496, MedGen C3275508, MONDO:0010466, OMIM 300868.
Paroxysmal nocturnal hemoglobinuria 1 (PNH1). Identifiers: Orphanet 447, MedGen C3806670, MONDO:0010438, OMIM 300818.

Submissions (5):

Ambry Genetics
Classification: Uncertain significance for Inborn genetic diseases. Last evaluated: 2026-04-23. Review status: criteria provided, single submitter. Criteria: Ambry Variant Classification Scheme 2023. Collection method: clinical testing. Allele origin: germline.
Comment: The c.98A>G (p.H33R) alteration is located in exon 2 (coding exon 1) of the PIGA gene. This alteration results from an A to G substitution at nucleotide position 98, causing the histidine (H) at amino acid position 33 to be replaced by an arginine (R). This variant was not reported in population-based cohorts in the Genome Aggregation Database (gnomAD). This amino acid position is highly conserved in available vertebrate species. This alteration is predicted to be deleterious by in silico analysis. Based on insufficient or conflicting evidence, the clinical significance of this alteration remains unclear.

Genomic Medicine Center of Excellence, King Faisal Specialist Hospital and Research Centre
Classification: Likely pathogenic for Paroxysmal nocturnal hemoglobinuria 1. Last evaluated: 2024-04-04. Review status: criteria provided, single submitter. Criteria: ACMG Guidelines, 2015. Collection method: clinical testing. Allele origin: germline.

Labcorp Genetics (formerly Invitae), Labcorp
Classification: Uncertain significance for Multiple congenital anomalies-hypotonia-seizures syndrome 2. Last evaluated: 2022-07-02. Review status: criteria provided, single submitter. Criteria: Invitae Variant Classification Sherloc (09022015). Collection method: clinical testing. Allele origin: germline.
Comment: ClinVar contains an entry for this variant (Variation ID: 208742). This missense change has been observed in individual(s) with intellectual disability and epilepsy (PMID: 29159939). This variant is not present in population databases (gnomAD no frequency). This sequence change replaces histidine, which is basic and polar, with arginine, which is basic and polar, at codon 33 of the PIGA protein (p.His33Arg). Algorithms developed to predict the effect of missense changes on protein structure and function are either unavailable or do not agree on the potential impact of this missense change (SIFT: "Tolerated"; PolyPhen-2: "Possibly Damaging"; Align-GVGD: "Class C0"). In summary, the available evidence is currently insufficient to determine the role of this variant in disease. Therefore, it has been classified as a Variant of Uncertain Significance.

Victorian Clinical Genetics Services, Murdoch Childrens Research Institute
Classification: Uncertain significance for Multiple congenital anomalies-hypotonia-seizures syndrome 2. Last evaluated: 2022-06-24. Review status: criteria provided, single submitter. Criteria: ACMG Guidelines, 2015. Collection method: clinical testing. Allele origin: germline. Inheritance: X-linked recessive inheritance. Affected: yes.
Comment: Based on the classification scheme VCGS_Germline_v1.3.4, this variant is classified as VUS-3A. Following criteria are met: 0102 - Loss of function is a known mechanism of disease in this gene and is associated with multiple congenital anomalies-hypotonia-seizures syndrome 2 (MIM#300868). (I) 0109 - This gene is associated with X-linked recessive disease. (I) 0200 - Variant is predicted to result in a missense amino acid change from histidine to arginine. (I) 0253 - This variant is hemizygous. (I) 0301 - Variant is absent from gnomAD (both v2 and v3). (SP) 0309 - An alternative amino acid change at the same position has been observed in gnomAD (v2) (1 hemizygote, 0 heterozygotes, 0 homozygotes). (I) 0501 - Missense variant consistently predicted to be damaging by multiple in silico tools or highly conserved with a major amino acid change. (SP) 0604 - Variant is not located in an established domain, motif, hotspot or informative constraint region. (I) 0705 - No comparable missense variants have previous evidence for pathogenicity. (I) 0802 - This variant has moderate previous evidence of pathogenicity in unrelated individuals. (SP) 0905 - No published segregation evidence has been identified for this variant. No sufficient segregation information was provided in PMID: 29159939. (I) 1007 - No published functional evidence has been identified for this variant. (I) Legend: (SP) - Supporting pathogenic, (I) - Information, (SB) - Supporting benign

Shanghai First Maternity and Infant Hospital, Tongji University
Classification: Likely pathogenic for Multiple congenital anomalies-hypotonia-seizures syndrome 2. Last evaluated: 2021-11-02. Review status: criteria provided, single submitter. Criteria: Zhang et al. (Curr Protoc Hum Genet. 2020). Collection method: clinical testing. Allele origin: germline. Inheritance: X-linked recessive inheritance. Affected: yes.
Comment: PM2_Supporting; PS4_Supporting; PP1; PP3; PP4 = VUS favor pathogenic

Literature cited by the submitters: PubMed 29159939 (cited by 3 submitters); PubMed 2915993 (cited by Victorian Clinical Genetics Services, Murdoch Childrens Research Institute).

NM_002641.4(PIGA):c.98A>G (p.His33Arg)

Gene: PIGA (phosphatidylinositol glycan anchor biosynthesis class A; minus strand). Cytogenetic location: Xp22.2.
Variant type: single nucleotide variant.
Coding change: c.98A>G on transcript NM_002641.4 (MANE Select); coding-DNA position 98, A replaced by G.
Protein change: p.His33Arg; replaces histidine 33 with arginine.
Molecular consequence: missense variant. On other transcripts: non-coding transcript variant (1), intron variant (1).
Genome position (GRCh38, 1-based): chrX:15,331,833, T>C on the plus strand (A>G on the coding strand, the complement: PIGA is on the minus strand). VCF-style: chrX-15331833-T-C. GRCh37 (hg19) VCF-style: chrX-15349955-T-C.
Other names: c.13+3668A>G (NM_020473.3); short protein forms H33R.
Identifiers: ClinVar variation 208742 (VCV000208742.15), dbSNP rs797044924, ClinGen allele CA204802.